The following is an entry in ClinVar:

NM_020937.4(FANCM):c.5434C>A (p.Pro1812Thr)

Gene: FANCM (FA complementation group M; plus strand). Cytogenetic location: 14q21.2.
Variant type: single nucleotide variant.
Coding change: c.5434C>A on transcript NM_020937.4 (MANE Select); coding-DNA position 5434, C replaced by A.
Protein change: p.Pro1812Thr; replaces proline 1812 with threonine.
Molecular consequence: missense variant.
Genome position (GRCh38, 1-based): chr14:45,196,265, C>A. VCF-style: chr14-45196265-C-A. GRCh37 (hg19) VCF-style: chr14-45665468-C-A.
Other names: c.5356C>A, p.Pro1786Thr (NM_001308133.2); c.5434C>A (NM_020937.3); short protein forms P1812T, P1786T.
Identifiers: ClinVar variation 840420 (VCV000840420.17), dbSNP rs3736772, ClinGen allele CA7170003.

ClinVar aggregate classification (germline): Uncertain significance. Review status: criteria provided, multiple submitters, no conflicts (2 of 4 stars). 4 submissions from 4 submitters: Uncertain significance (3). 1 of the submissions does not count toward it. Last evaluated 2026-01-06.

Conditions:
Hereditary cancer-predisposing syndrome. Also called: Neoplastic Syndromes, Hereditary; Tumor predisposition; Hereditary neoplastic syndrome; Hereditary Cancer Syndrome. Identifiers: Orphanet 140162, MedGen C0027672, MeSH D009386, MONDO:0015356.
Fanconi anemia (FA). Also called: Fanconi's anemia. Identifiers: Orphanet 84, MedGen C0015625, MeSH D005199, MONDO:0019391.

Allele frequency attached by ClinVar (database versions not stated): TOPMed 0.00002.
gnomAD v4.1: 18 of 1,613,812 alleles (0.0011%); highest among the groups gnomAD compares: Non-Finnish European, 0.0014%; no homozygotes.

Submissions (4):

Labcorp Genetics (formerly Invitae), Labcorp
Classification: Uncertain significance for Fanconi anemia. Last evaluated: 2026-01-06. Review status: criteria provided, single submitter. Criteria: Invitae Variant Classification Sherloc (09022015). Collection method: clinical testing. Allele origin: germline.
Comment: This sequence change replaces proline, which is neutral and non-polar, with threonine, which is neutral and polar, at codon 1812 of the FANCM protein (p.Pro1812Thr). This variant is present in population databases (rs3736772, gnomAD 0.007%). This variant has not been reported in the literature in individuals affected with FANCM-related conditions. ClinVar contains an entry for this variant (Variation ID: 840420). An algorithm developed to predict the effect of missense changes on protein structure and function (PolyPhen-2) suggests that this variant is likely to be tolerated. In summary, the available evidence is currently insufficient to determine the role of this variant in disease. Therefore, it has been classified as a Variant of Uncertain Significance.

GeneDx
Classification: Uncertain significance. Last evaluated: 2024-05-14. Review status: criteria provided, single submitter. Criteria: GeneDx Variant Classification Process June 2021. Collection method: clinical testing. Allele origin: germline. Affected: yes.
Comment: Has not been previously published as pathogenic or benign to our knowledge; Not observed at significant frequency in large population cohorts (gnomAD); In silico analysis supports that this missense variant has a deleterious effect on protein structure/function

Sema4
Classification: Uncertain significance for Hereditary cancer-predisposing syndrome. Last evaluated: 2022-01-21. Review status: criteria provided, single submitter. Criteria: Sema4 Curation Guidelines. Collection method: curation. Allele origin: germline.
Comment: To the best of our knowledge, the FANCM c.5434C>A (p.P1812T) variant has not been reported in individuals with FANCM-related disease. It was observed in 8/113704 chromosomes of the Non-Finnish European subpopulation in the Genome Aggregation Database (PMID: 32461654), and has been reported in ClinVar (Variation ID 840420). In silico tools suggest the impact of the variant on protein function is benign, though these predictions have not been confirmed by functional studies. The evidence is insufficient to meet ACMG/AMP criteria for classifying the variant as benign or pathogenic. Thus, the clinical significance of this variant is currently uncertain.

Genetic Services Laboratory, University of Chicago
Classification: Uncertain significance. Last evaluated: 2022-11-28. Review status: no assertion criteria provided. Collection method: clinical testing. Allele origin: germline. Affected: no. Not counted in ClinVar's aggregate classification.
Comment: DNA sequence analysis of the FANCM gene demonstrated a sequence change, c.5434C>A, in exon 21 that results in an amino acid change, p.Pro1812Thr. This sequence change does not appear to have been previously described in individuals with FANCM-related disorders. This sequence change has been described in the gnomAD database with a frequency of 0.007% in the European subpopulation (dbSNP rs3736772). The p.Pro1812Thr change affects a poorly conserved amino acid residue located in a domain of the FANCM protein that is not known to be functional. The p.Pro1812Thr substitution appears to be benign using several in-silico pathogenicity prediction tools (SIFT, PolyPhen2, Align GVGD, REVEL). Due to insufficient evidences and the lack of functional studies, the clinical significance of the p.Pro1812Thr change remains unknown at this time